The following is an entry in ClinVar:

NM_001130987.2(DYSF):c.1449+13C>T

Gene: DYSF (dysferlin; plus strand). Cytogenetic location: 2p13.2.
Variant type: single nucleotide variant.
Coding change: c.1449+13C>T on transcript NM_001130987.2 (MANE Select); 13 bases into the intron after coding-DNA position 1449, C replaced by T.
Molecular consequence: intron variant.
Genome position (GRCh38, 1-based): chr2:71,535,102, C>T. VCF-style: chr2-71535102-C-T. GRCh37 (hg19) VCF-style: chr2-71762232-C-T.
Other names: c.1446+13C>T (NM_001130979.2, NM_001130981.2, NM_001130980.2); c.1353+13C>T (NM_001130978.2, NM_003494.4, NM_001130977.2 and 1 more transcripts); c.1449+13C>T (NM_001130982.2, NM_001130985.2); c.1356+13C>T (NM_001130983.2, NM_001130455.2, NM_001130984.2 and 1 more transcripts).
Identifiers: ClinVar variation 94268 (VCV000094268.34), dbSNP rs4852801, ClinGen allele CA147720.

ClinVar aggregate classification (germline): Benign. Review status: criteria provided, multiple submitters, no conflicts (2 of 4 stars). 15 submissions from 13 submitters: Benign (12). 3 of the submissions do not count toward it. Last evaluated 2026-03-15.

Conditions:
Neuromuscular disease caused by qualitative or quantitative defects of dysferlin. Also called: Qualitative or quantitative defects of dysferlin; Dysferlinopathy. Identifiers: Orphanet 207073, MedGen C2931687, MONDO:0016145.
Miyoshi muscular dystrophy 1 (MMD1). Identifiers: Orphanet 45448, MedGen C4551973, MONDO:0024545, OMIM 254130.
Autosomal recessive limb-girdle muscular dystrophy type 2B (LGMDR2). Also called: MUSCULAR DYSTROPHY, LIMB-GIRDLE, TYPE 3; Limb-girdle muscular dystrophy, type 2B; Limb-Girdle Muscular Dystrophy Type 2B (LGMD2B); MUSCULAR DYSTROPHY, LIMB-GIRDLE, AUTOSOMAL RECESSIVE 2. Identifiers: Orphanet 268, MedGen C1850889, MONDO:0009676, OMIM 253601.
Distal myopathy with anterior tibial onset. Identifiers: Orphanet 178400, MedGen C1847532, MONDO:0011721, OMIM 606768.

Allele frequency attached by ClinVar (database versions not stated): 1000 Genomes Project 0.45767; 1000 Genomes Project 30x 0.46190; ExAC 0.58456; gnomAD exomes 0.58698; TOPMed 0.59115; gnomAD 0.59544 and 0.60553; ESP Exome Variant Server 0.62894.
gnomAD v4.1: 1,036,375 of 1,613,172 alleles (64%); highest among the groups gnomAD compares: Middle Eastern, 69%; 342,006 homozygotes.

Submissions (15):

Women's Health and Genetics/Laboratory Corporation of America, LabCorp
Classification: Benign. Last evaluated: 2026-03-15. Review status: criteria provided, single submitter. Criteria: LabCorp Variant Classification Summary - May 2015. Collection method: clinical testing. Allele origin: germline.

Labcorp Genetics (formerly Invitae), Labcorp
Classification: Benign for Neuromuscular disease caused by qualitative or quantitative defects of dysferlin. Last evaluated: 2026-02-04. Review status: criteria provided, single submitter. Criteria: Invitae Variant Classification Sherloc (09022015). Collection method: clinical testing. Allele origin: germline.

Blueprint Genetics
Classification: Benign. Last evaluated: 2024-11-26. Review status: criteria provided, single submitter. Criteria: ACMG Guidelines, 2015. Collection method: clinical testing. Allele origin: germline.

Genome-Nilou Lab
Classification: Benign for Autosomal recessive limb-girdle muscular dystrophy type 2B. Last evaluated: 2021-07-30. Review status: criteria provided, single submitter. Criteria: ACMG Guidelines, 2015. Collection method: clinical testing. Allele origin: germline. Affected: no.

Genome-Nilou Lab
Classification: Benign for Distal myopathy with anterior tibial onset. Last evaluated: 2021-07-30. Review status: criteria provided, single submitter. Criteria: ACMG Guidelines, 2015. Collection method: clinical testing. Allele origin: germline. Affected: no.

Genome-Nilou Lab
Classification: Benign for Miyoshi muscular dystrophy 1. Last evaluated: 2021-06-10. Review status: criteria provided, single submitter. Criteria: ACMG Guidelines, 2015. Collection method: clinical testing. Allele origin: germline. Affected: no.

Illumina Laboratory Services, Illumina
Classification: Benign for Qualitative or quantitative defects of dysferlin. Last evaluated: 2018-01-12. Review status: criteria provided, single submitter. Criteria: ICSL Variant Classification Criteria 13 December 2019. Collection method: clinical testing. Allele origin: germline.
Comment: This variant was observed in the ICSL laboratory as part of a predisposition screen in an ostensibly healthy population. It had not been previously curated by ICSL or reported in the Human Gene Mutation Database (HGMD: prior to June 1st, 2018), and was therefore a candidate for classification through an automated scoring system. Utilizing variant allele frequency, disease prevalence and penetrance estimates, and inheritance mode, an automated score was calculated to assess if this variant is too frequent to cause the disease. Based on the score and internal cut-off values, a variant classified as benign is not then subjected to further curation. The score for this variant resulted in a classification of benign for this disease.

GeneDx
Classification: Benign. Last evaluated: 2016-01-05. Review status: criteria provided, single submitter. Criteria: GeneDx Variant Classification (06012015). Collection method: clinical testing. Allele origin: germline. Affected: yes.
Comment: This variant is considered likely benign or benign based on one or more of the following criteria: it is a conservative change, it occurs at a poorly conserved position in the protein, it is predicted to be benign by multiple in silico algorithms, and/or has population frequency not consistent with disease.

Laboratory for Molecular Medicine, Mass General Brigham Personalized Medicine
Classification: Benign. Last evaluated: 2015-01-13. Review status: criteria provided, single submitter. Criteria: LMM Criteria. Collection method: clinical testing. Allele origin: germline. Observed: 10 variant alleles.
Comment: c.1449+13C>T in intron 15 of DYSF: This variant is not expected to have clinical significance because it is not located within the conserved splice consensus se quence. It has been identified in 46.8% (2064/4406) of African American chromoso mes from a broad population by the NHLBI Exome Sequencing Project (.; dbSNP rs4852801).

Eurofins Ntd Llc (ga)
Classification: Benign. Last evaluated: 2013-07-29. Review status: criteria provided, single submitter. Criteria: EGL Classification Definitions 2015. Collection method: clinical testing. Allele origin: germline. Observed: 163 variant alleles, 84 heterozygotes, 79 homozygotes.

Breakthrough Genomics
Classification: Benign. Review status: criteria provided, single submitter. Criteria: ACMG Guidelines, 2015. Collection method: not provided. Allele origin: germline. Inheritance: Autosomal recessive inheritance. Affected: yes.

PreventionGenetics, part of Exact Sciences
Classification: Benign. Review status: criteria provided, single submitter. Criteria: ACMG Guidelines, 2015. Collection method: clinical testing. Allele origin: germline.

Clinical Genetics, Academic Medical Center
Classification: Benign. Review status: no assertion criteria provided. Collection method: clinical testing. Allele origin: germline. Affected: yes. Study: VKGL Data-share Consensus. Not counted in ClinVar's aggregate classification.

Diagnostic Laboratory, Department of Genetics, University Medical Center Groningen
Classification: Benign. Review status: no assertion criteria provided. Collection method: clinical testing. Allele origin: germline. Affected: yes. Study: VKGL Data-share Consensus. Not counted in ClinVar's aggregate classification.

Joint Genome Diagnostic Labs from Nijmegen and Maastricht, Radboudumc and MUMC+
Classification: Benign. Review status: no assertion criteria provided. Collection method: clinical testing. Allele origin: germline. Affected: yes. Study: VKGL Data-share Consensus. Not counted in ClinVar's aggregate classification.